The following is an entry in ClinVar:

NM_001267550.2(TTN):c.93444C>G (p.Tyr31148Ter)

Genes: TTN (titin; minus strand), TTN-AS1 (TTN antisense RNA 1; plus strand). Cytogenetic location: 2q31.2.
Variant type: single nucleotide variant.
Coding change: c.93444C>G on transcript NM_001267550.2 (MANE Select); coding-DNA position 93444, C replaced by G.
Protein change: p.Tyr31148Ter; replaces tyrosine 31148 with a stop codon.
Molecular consequence: nonsense.
Genome position (GRCh38, 1-based): chr2:178,548,182, G>C on the plus strand (C>G on the coding strand, the complement: TTN is on the minus strand). VCF-style: chr2-178548182-G-C. GRCh37 (hg19) VCF-style: chr2-179412909-G-C.
Other names: c.88521C>G, p.Tyr29507Ter (NM_001256850.1); c.66249C>G, p.Tyr22083Ter (NM_003319.4); c.85740C>G, p.Tyr28580Ter (NM_133378.4); c.66624C>G, p.Tyr22208Ter (NM_133432.3); c.66825C>G, p.Tyr22275Ter (NM_133437.4); short protein forms Y22083*, Y22208*, Y29507*, Y31148*, Y22275*, Y28580*.
Identifiers: ClinVar variation 4786253 (VCV004786253.1).

ClinVar aggregate classification (germline): Likely pathogenic (1 of 4 stars; one submission).

Conditions:
Autosomal recessive limb-girdle muscular dystrophy type 2J (LGMDR10). Also called: Limb-girdle muscular dystrophy, type 2J; MUSCULAR DYSTROPHY, LIMB-GIRDLE, AUTOSOMAL RECESSIVE 10. Identifiers: Orphanet 140922, MedGen C1837342, MONDO:0012127, OMIM 608807.
Dilated cardiomyopathy 1G (CMD1G). Identifiers: Orphanet 154, MedGen C1858763, MONDO:0011400, OMIM 604145.

Submission:

Labcorp Genetics (formerly Invitae), Labcorp
Classification: Likely pathogenic for Dilated cardiomyopathy 1G; Autosomal recessive limb-girdle muscular dystrophy type 2J. Last evaluated: 2025-09-28. Review status: criteria provided, single submitter. Criteria: Invitae Variant Classification Sherloc (09022015). Collection method: clinical testing. Allele origin: germline.
Comment: This sequence change creates a premature translational stop signal (p.Tyr31148*) in the TTN gene. While this is not anticipated to result in nonsense mediated decay, it is expected to create a truncated TTN protein. This variant is not present in population databases (gnomAD no frequency). This variant has not been reported in the literature in individuals affected with TTN-related conditions. This variant is located in the A band of TTN (PMID: 25589632). Truncating variants in this region are significantly overrepresented in patients affected with dilated cardiomyopathy (PMID: 25589632). Truncating variants in this region have also been reported in individuals affected with autosomal recessive centronuclear myopathy (PMID: 23975875). In summary, the currently available evidence indicates that the variant is pathogenic, but additional data are needed to prove that conclusively. Therefore, this variant has been classified as Likely Pathogenic.

Literature cited by the submitters: PubMed 25589632; PubMed 23975875.